The following is an entry in ClinVar:

NM_000016.6(ACADM):c.31-19A>G

Gene: ACADM (acyl-CoA dehydrogenase medium chain; plus strand). Cytogenetic location: 1p31.1.
Variant type: single nucleotide variant.
Coding change: c.31-19A>G on transcript NM_000016.6 (MANE Select); 19 bases into the intron before coding-DNA position 31, A replaced by G.
Molecular consequence: intron variant.
Genome position (GRCh38, 1-based): chr1:75,728,382, A>G. VCF-style: chr1-75728382-A-G. GRCh37 (hg19) VCF-style: chr1-76194067-A-G.
Other names: c.31-7A>G (NM_001127328.3); c.31-19A>G (NM_001286043.2); c.10+3565A>G (NM_001286042.2); c.-268+3565A>G (NM_001286044.2).
Identifiers: ClinVar variation 4531265 (VCV004531265.1).

ClinVar aggregate classification (germline): Uncertain significance (1 of 4 stars; one submission).

Conditions:
Medium-chain acyl-coenzyme A dehydrogenase deficiency (ACADMD). Also called: MCADH DEFICIENCY; ACADM DEFICIENCY; MCAD Deficiency; CARNITINE DEFICIENCY SECONDARY TO MEDIUM-CHAIN ACYL-CoA DEHYDROGENASE DEFICIENCY; MCADD; Medium chain acyl-CoA dehydrogenase deficiency. Identifiers: Orphanet 42, MedGen C0220710, MONDO:0008721, OMIM 201450.

Submission:

Juno Genomics, Hangzhou Juno Genomics, Inc
Classification: Uncertain significance for Medium-chain acyl-coenzyme A dehydrogenase deficiency. Review status: criteria provided, single submitter. Criteria: ACMG Guidelines, 2015. Collection method: clinical testing. Allele origin: germline. Affected: yes.
Comment: Absent from controls (or at extremely low frequency if recessive) in Genome Aggregation Database, Exome Sequencing Project, 1000 Genomes Project, or Exome Aggregation Consortium.;Multiple lines of computational evidence support a deleterious effect on the gene or gene product (conservation, evolutionary, splicing impact, etc).;Patient's phenotype or family history is highly specific for a disease with a single genetic etiology.